The following is an entry in ClinVar:

NM_000829.4(GRIA4):c.2303T>C (p.Val768Ala)

Gene: GRIA4 (glutamate ionotropic receptor AMPA type subunit 4; plus strand). Cytogenetic location: 11q22.3.
Variant type: single nucleotide variant.
Coding change: c.2303T>C on transcript NM_000829.4 (MANE Select); coding-DNA position 2303, T replaced by C.
Protein change: p.Val768Ala; replaces valine 768 with alanine.
Molecular consequence: missense variant. On other transcripts: non-coding transcript variant (1), intron variant (12).
Genome position (GRCh38, 1-based): chr11:105,971,922, T>C. VCF-style: chr11-105971922-T-C. GRCh37 (hg19) VCF-style: chr11-105842649-T-C.
Other names: c.2303T>C, p.Val768Ala (NM_001440386.1, NM_001440387.1, NM_001440392.1 and 1 more transcripts); c.2282T>C, p.Val761Ala (NM_001440388.1, NM_001440389.1); c.2410-2388T>C (NM_001440383.1, NM_001077243.3, NM_001440382.1 and 3 more transcripts); c.2047-2388T>C (NM_001440395.1, NM_001440396.1); c.2389-2388T>C (NM_001440390.1); c.1456-2388T>C (NM_001440398.1); c.2203-2388T>C (NM_001440394.1); c.1159-2388T>C (NM_001440399.1); short protein forms V761A, V768A.
Identifiers: ClinVar variation 4074330 (VCV004074330.2).

ClinVar aggregate classification (germline): Uncertain significance (1 of 4 stars; one submission).

Submission:

GeneDx
Classification: Uncertain significance. Last evaluated: 2026-07-28. Review status: criteria provided, single submitter. Criteria: GeneDx Variant Classification Process June 2021. Collection method: clinical testing. Allele origin: germline.
Comment: Not observed at significant frequency in large population cohorts (gnomAD); In silico analysis supports that this missense variant has a deleterious effect on protein structure/function; Has not been previously published as pathogenic or benign to our knowledge